The following is an entry in ClinVar:

NM_016008.4(DYNC2LI1):c.34G>C (p.Ala12Pro)

Gene: DYNC2LI1 (dynein cytoplasmic 2 light intermediate chain 1; plus strand). Cytogenetic location: 2p21.
Variant type: single nucleotide variant.
Coding change: c.34G>C on transcript NM_016008.4 (MANE Select); coding-DNA position 34, G replaced by C.
Protein change: p.Ala12Pro; replaces alanine 12 with proline.
Molecular consequence: missense variant.
Genome position (GRCh38, 1-based): chr2:43,776,807, G>C. VCF-style: chr2-43776807-G-C. GRCh37 (hg19) VCF-style: chr2-44003946-G-C.
Other names: c.34G>C, p.Ala12Pro (NM_001193464.2, NM_001348912.2, NM_001348913.2 and 1 more transcripts); short protein forms A12P.
Identifiers: ClinVar variation 2111549 (VCV002111549.4), dbSNP rs2467011890, ClinGen allele CA346648030.
Genomic context (GRCh38, chr2:43,776,807, plus strand): 5'-TTCCCTCAATTTTGTTTTTTCTGCCTCTCATGTAGTGAAACTCTCTGGGAAATTGCAAAA[G>C]CTGAAGTGGAAAAAAGGGGAATTAATGGAAGTGAAGGTGATGGAGCTGAAATTGCAGAAA-3'
Protein context (NP_057092.2, residues 2-22): PSETLWEIAK[Ala12Pro]EVEKRGINGS

ClinVar aggregate classification (germline): Uncertain significance (1 of 4 stars; one submission).

Submission:

Labcorp Genetics (formerly Invitae), Labcorp
Classification: Uncertain significance. Last evaluated: 2022-05-04. Review status: criteria provided, single submitter. Criteria: Invitae Variant Classification Sherloc (09022015). Collection method: clinical testing. Allele origin: germline.
Comment: In summary, the available evidence is currently insufficient to determine the role of this variant in disease. Therefore, it has been classified as a Variant of Uncertain Significance. Algorithms developed to predict the effect of missense changes on protein structure and function are either unavailable or do not agree on the potential impact of this missense change (SIFT: "Tolerated"; PolyPhen-2: "Possibly Damaging"; Align-GVGD: "Class C0"). This variant has not been reported in the literature in individuals affected with DYNC2LI1-related conditions. This variant is not present in population databases (gnomAD no frequency). This sequence change replaces alanine, which is neutral and non-polar, with proline, which is neutral and non-polar, at codon 12 of the DYNC2LI1 protein (p.Ala12Pro).